The following is an entry in ClinVar:

NM_000384.3(APOB):c.2660T>A (p.Met887Lys)

Gene: APOB (apolipoprotein B; minus strand). Cytogenetic location: 2p24.1.
Variant type: single nucleotide variant.
Coding change: c.2660T>A on transcript NM_000384.3 (MANE Select); coding-DNA position 2660, T replaced by A.
Protein change: p.Met887Lys; replaces methionine 887 with lysine.
Molecular consequence: missense variant.
Genome position (GRCh38, 1-based): chr2:21,022,987, A>T on the plus strand (T>A on the coding strand, the complement: APOB is on the minus strand). VCF-style: chr2-21022987-A-T. GRCh37 (hg19) VCF-style: chr2-21245859-A-T.
Other names: c.2660T>A (NM_000384.2); short protein forms M887K.
Identifiers: ClinVar variation 2926325 (VCV002926325.5), dbSNP rs1321040942, ClinGen allele CA346010801.

ClinVar aggregate classification (germline): Uncertain significance. Review status: criteria provided, multiple submitters, no conflicts (2 of 4 stars). 2 submissions from 2 submitters: Uncertain significance (2). Last evaluated 2025-12-11.

Conditions:
Cardiovascular phenotype. Identifiers: MedGen CN230736.
Hypercholesterolemia, autosomal dominant, type B (FHCL2). Also called: APOB-Related Familial Hypercholesterolemia, Autosomal Dominant; Familial Hypercholesterolemia Type B; APOLIPOPROTEIN B-100, FAMILIAL DEFECTIVE; APOLIPOPROTEIN B-100, FAMILIAL LIGAND-DEFECTIVE; HYPERCHOLESTEROLEMIA, FAMILIAL, DUE TO LIGAND-DEFECTIVE APOLIPOPROTEIN B; Hyperlipoproteinemia Type IIb. Identifiers: MedGen C1704417, MONDO:0007751, OMIM 144010.
Familial hypobetalipoproteinemia 1. Also called: Hypobetalipoproteinemia, normotriglyceridemic; Acanthocytosis with hypobetalipoproteinemia; APOB-Related Familial Hypobetalipoproteinemia. Identifiers: MedGen C4551990, MONDO:0014252, OMIM 615558.

Submissions (2):

Ambry Genetics
Classification: Uncertain significance for Cardiovascular phenotype. Last evaluated: 2025-12-11. Review status: criteria provided, single submitter. Criteria: Ambry Variant Classification Scheme 2023. Collection method: clinical testing. Allele origin: germline.

Labcorp Genetics (formerly Invitae), Labcorp
Classification: Uncertain significance for Familial hypobetalipoproteinemia 1; Hypercholesterolemia, autosomal dominant, type B. Last evaluated: 2023-07-07. Review status: criteria provided, single submitter. Criteria: Invitae Variant Classification Sherloc (09022015). Collection method: clinical testing. Allele origin: germline.
Comment: In summary, the available evidence is currently insufficient to determine the role of this variant in disease. Therefore, it has been classified as a Variant of Uncertain Significance. Advanced modeling of protein sequence and biophysical properties (such as structural, functional, and spatial information, amino acid conservation, physicochemical variation, residue mobility, and thermodynamic stability) performed at Invitae indicates that this missense variant is not expected to disrupt APOB protein function. This variant has not been reported in the literature in individuals affected with APOB-related conditions. This variant is not present in population databases (gnomAD no frequency). This sequence change replaces methionine, which is neutral and non-polar, with lysine, which is basic and polar, at codon 887 of the APOB protein (p.Met887Lys).